The following is an entry in ClinVar:

NM_001754.5(RUNX1):c.98-2A>G

Gene: RUNX1 (RUNX family transcription factor 1; minus strand). Cytogenetic location: 21q22.12.
Variant type: single nucleotide variant.
Coding change: c.98-2A>G on transcript NM_001754.5 (MANE Select); the canonical splice acceptor site of the intron before coding-DNA position 98, A replaced by G.
Molecular consequence: splice acceptor variant. On other transcripts: synonymous variant (2).
Genome position (GRCh38, 1-based): chr21:34,887,098, T>C on the plus strand (A>G on the coding strand, the complement: RUNX1 is on the minus strand). VCF-style: chr21-34887098-T-C. GRCh37 (hg19) VCF-style: chr21-36259395-T-C.
Other names: c.15A>G, p.Val5= (NM_001001890.3, NM_001122607.2).
Identifiers: ClinVar variation 2011850 (VCV002011850.5), dbSNP rs2517488790, ClinGen allele CA410204329.

ClinVar aggregate classification (germline): Likely pathogenic. Review status: reviewed by expert panel (3 of 4 stars). 2 submissions from 2 submitters: Likely pathogenic (1). 1 of the submissions does not count toward it. Last evaluated 2023-12-09.

Conditions:
Hereditary thrombocytopenia and hematological cancer predisposition syndrome associated with RUNX1. Also called: Familial Platelet Disorder with Propensity to Acute Myelogenous Leukemia; Familial thrombocytopenia with propensity to acute myelogenous leukemia; PLATELET DISORDER, ASPIRIN-LIKE; RUNX1 Familial Platelet Disorder with Associated Myeloid Malignancies. Identifiers: Orphanet 71290, MedGen C1832388, MeSH C563324, MONDO:0100083, OMIM 601399.
Hereditary thrombocytopenia and hematologic cancer predisposition syndrome. Identifiers: Orphanet 71290, MedGen CN281654, MONDO:0011071.

Submissions (2):

ClinGen Myeloid Malignancy Variant Curation Expert Panel
Classification: Likely pathogenic for Hereditary thrombocytopenia and hematologic cancer predisposition syndrome. Last evaluated: 2023-12-09. Review status: reviewed by expert panel. Criteria: ClinGen MyeloMalig ACMG Specifications v2. Collection method: curation. Allele origin: germline. Inheritance: Autosomal dominant inheritance.
Comment: The c.98-2A>G is a canonical splice site variant that is predicted to disrupt exon 4 acceptor splice site recognition (SpliceAI prediction: acceptor loss 0.75, at -2 bp), introduce exon 4 skipping, and produce a frameshift with a premature stop codon, resulting in nonsense-mediated mRNA decay (PVS1). This variant is completely absent from all population databases (gnomAD v2.1 and v3.1) with at least 20x coverage for RUNX1 (PM2_supporting). This variant has been reported in three probands (PMID: 27288520, 29932212, and 36436542). They were diagnosed with myelodysplastic syndromes (one case) or acute myeloid leukemia (two cases). However, the germinal origin of the variant cannot be confirmed in any of them. In addition, another variant, the c.98-1G>A change, was discovered in a family with a patient who was diagnosed with an inherited platelet disorder. This latter has an impact on the same acceptor splice site and is likely to have the same effects on splicing (PMID: 32935436). In summary, this variant meets criteria to be classified as likely pathogenic. ACMG/AMP criteria applied, as specified by the Myeloid Malignancy Variant Curation Expert Panel for RUNX1: PVS1, PM2_supporting.

Labcorp Genetics (formerly Invitae), Labcorp
Classification: Uncertain significance for Hereditary thrombocytopenia and hematological cancer predisposition syndrome associated with RUNX1. Last evaluated: 2022-06-28. Review status: criteria provided, single submitter. Criteria: Invitae Variant Classification Sherloc (09022015). Collection method: clinical testing. Allele origin: germline. Not counted in ClinVar's aggregate classification.
Comment: This sequence change affects an acceptor splice site in intron 3 of the RUNX1 gene. However, it is currently unclear if variants that occur in this region of the gene cause disease. This variant is not present in population databases (gnomAD no frequency). This variant has not been reported in the literature in individuals affected with RUNX1-related conditions. Algorithms developed to predict the effect of sequence changes on RNA splicing suggest that this variant may disrupt the consensus splice site. In summary, the available evidence is currently insufficient to determine the role of this variant in disease. Therefore, it has been classified as a Variant of Uncertain Significance.